The following is an entry in ClinVar:

ClinVar aggregate classification (germline): Uncertain significance (1 of 4 stars; one submission).

Conditions:
Gastrointestinal stromal tumor. Also called: Gastrointestinal stromal tumor, somatic; Gastrointestinal stroma tumor. Identifiers: Orphanet 44890, MedGen C0238198, MeSH D046152, MONDO:0011719, OMIM 606764, HP:0100723.
Pheochromocytoma/paraganglioma syndrome 3. Also called: GLOMUS TUMORS, FAMILIAL, 3; SDHC-Related Hereditary Paraganglioma-Pheochromocytoma Syndrome; Paragangliomas 3; SDHC-Related Hereditary Paraganglioma-Pheochromocytoma Syndrome (Paragangliomas 3). Identifiers: Orphanet 29072, MedGen C1854336, MONDO:0011544, OMIM 605373.

Allele frequency attached by ClinVar (database versions not stated): gnomAD exomes below 0.00001.

Submission:

Labcorp Genetics (formerly Invitae), Labcorp
Classification: Uncertain significance for Pheochromocytoma/paraganglioma syndrome 3; Gastrointestinal stromal tumor. Last evaluated: 2020-03-11. Review status: criteria provided, single submitter. Criteria: Invitae Variant Classification Sherloc (09022015). Collection method: clinical testing. Allele origin: germline.
Comment: In summary, the available evidence is currently insufficient to determine the role of this variant in disease. Therefore, it has been classified as a Variant of Uncertain Significance. Nucleotide substitutions within the consensus splice site are a relatively common cause of aberrant splicing (PMID: 17576681, 9536098). Algorithms developed to predict the effect of sequence changes on RNA splicing suggest that this variant may disrupt the consensus splice site, but this prediction has not been confirmed by published transcriptional studies. This variant has not been reported in the literature in individuals with SDHC-related conditions. This sequence change falls in intron 1 of the SDHC gene. It does not directly change the encoded amino acid sequence of the SDHC protein, but it affects a nucleotide within the consensus splice site of the intron. This variant is not present in population databases (ExAC no frequency).

Literature cited by the submitters: PubMed 17576681; PubMed 9536098.

NM_003001.5(SDHC):c.20+3G>C

Gene: SDHC (succinate dehydrogenase complex subunit C; plus strand). Cytogenetic location: 1q23.3.
Variant type: single nucleotide variant.
Coding change: c.20+3G>C on transcript NM_003001.5 (MANE Select); 3 bases into the intron after coding-DNA position 20, G replaced by C.
Molecular consequence: intron variant. On other transcripts: 5 prime UTR variant (1).
Genome position (GRCh38, 1-based): chr1:161,314,428, G>C. VCF-style: chr1-161314428-G-C. GRCh37 (hg19) VCF-style: chr1-161284218-G-C.
Other names: c.-538G>C (NM_001407119.1); c.-210+3G>C (NM_001407120.1); c.20+3G>C (NM_001407115.1, NM_001035511.3, NM_001035512.3 and 6 more transcripts).
Identifiers: ClinVar variation 1014388 (VCV001014388.8), dbSNP rs377566366, ClinGen allele CA526856676.